The following is an entry in ClinVar:

ClinVar aggregate classification (germline): Uncertain significance. Review status: criteria provided, multiple submitters, no conflicts (2 of 4 stars). 2 submissions from 2 submitters: Uncertain significance (2). Last evaluated 2024-10-29.

Submissions (2):

Labcorp Genetics (formerly Invitae), Labcorp
Classification: Uncertain significance. Last evaluated: 2024-10-29. Review status: criteria provided, single submitter. Criteria: Invitae Variant Classification Sherloc (09022015). Collection method: clinical testing. Allele origin: germline.
Comment: This sequence change replaces threonine, which is neutral and polar, with proline, which is neutral and non-polar, at codon 237 of the ZBTB18 protein (p.Thr237Pro). This variant is not present in population databases (gnomAD no frequency). This variant has not been reported in the literature in individuals affected with ZBTB18-related conditions. ClinVar contains an entry for this variant (Variation ID: 1335024). Invitae Evidence Modeling of protein sequence and biophysical properties (such as structural, functional, and spatial information, amino acid conservation, physicochemical variation, residue mobility, and thermodynamic stability) indicates that this missense variant is not expected to disrupt ZBTB18 protein function with a negative predictive value of 95%. In summary, the available evidence is currently insufficient to determine the role of this variant in disease. Therefore, it has been classified as a Variant of Uncertain Significance.

CeGaT Center for Human Genetics Tuebingen
Classification: Uncertain significance. Last evaluated: 2021-12-01. Review status: criteria provided, single submitter. Criteria: CeGaT Center For Human Genetics Tuebingen Variant Classification Criteria Version 2. Collection method: clinical testing. Allele origin: germline. Affected: yes. Observed: 1 variant allele.

NM_205768.3(ZBTB18):c.709A>C (p.Thr237Pro)

Gene: ZBTB18 (zinc finger and BTB domain containing 18; plus strand). Cytogenetic location: 1q44.
Variant type: single nucleotide variant.
Coding change: c.709A>C on transcript NM_205768.3 (MANE Select); coding-DNA position 709, A replaced by C.
Protein change: p.Thr237Pro; replaces threonine 237 with proline.
Molecular consequence: missense variant.
Genome position (GRCh38, 1-based): chr1:244,054,483, A>C. VCF-style: chr1-244054483-A-C. GRCh37 (hg19) VCF-style: chr1-244217785-A-C.
Other names: c.682A>C, p.Thr228Pro (NM_006352.5, NM_001278196.2); short protein forms T228P, T237P.
Identifiers: ClinVar variation 1335024 (VCV001335024.37), dbSNP rs1572531020, ClinGen allele CA345673512.
Genomic context (GRCh38, chr1:244,054,483, plus strand): 5'-GCTGGAAAAACAGTAGCCAGCCCCTGCAGCTCAACAGAGTCTTTGTCCCAGAGGTCTGTC[A>C]CCTCCGTGAGGGATTCGGCAGATGTTGACTGTGTGCTGGACCTGTCTGTCAAGTCCAGCC-3'
Protein context (NP_991331.1, residues 227-247): STESLSQRSV[Thr237Pro]SVRDSADVDC